The following is an entry in ClinVar:

NM_000501.4(ELN):c.450C>G (p.Tyr150Ter)

Gene: ELN (elastin; plus strand). Cytogenetic location: 7q11.23.
Variant type: single nucleotide variant.
Coding change: c.450C>G on transcript NM_000501.4 (MANE Select); coding-DNA position 450, C replaced by G.
Protein change: p.Tyr150Ter; replaces tyrosine 150 with a stop codon.
Molecular consequence: nonsense.
Genome position (GRCh38, 1-based): chr7:74,043,901, C>G. VCF-style: chr7-74043901-C-G. GRCh37 (hg19) VCF-style: chr7-73458231-C-G.
Other names: c.420C>G, p.Tyr140Ter (NM_001081752.3, NM_001278917.2, NM_001278918.2); c.465C>G, p.Tyr155Ter (NM_001081753.3, NM_001081754.3); c.450C>G, p.Tyr150Ter (NM_001081755.3, NM_001278912.2, NM_001278915.2 and 2 more transcripts); c.414C>G, p.Tyr138Ter (NM_001278913.2); c.435C>G, p.Tyr145Ter (NM_001278914.2); short protein forms Y150*, Y138*, Y140*, Y145*, Y155*.
Identifiers: ClinVar variation 16731 (VCV000016731.5), dbSNP rs137854454, ClinGen allele CA281040.
Genomic context (GRCh38, chr7:74,043,901, plus strand): 5'-GAGCTGCTGCTAGTAACTTTGCTTTCTTTTGGCCACAGGTGTGGGGCTGCCAGGTGTATA[C>G]CCAGGTGGCGTGCTCCCAGGTGAGAGCAAGGAGGGAAACAGGGACTCTATAGGAAGAAAG-3'

ClinVar aggregate classification (germline): Pathogenic. Review status: criteria provided, single submitter (1 of 4 stars). 2 submissions from 2 submitters: Pathogenic (1). 1 of the submissions does not count toward it. Last evaluated 2022-06-13.

Conditions:
Supravalvar aortic stenosis (SVAS). Also called: Supravalvar aortic stenosis, Eisenberg type. Identifiers: Orphanet 3193, MedGen C0003499, MONDO:0008504, OMIM 185500, HP:0004381.

Submissions (2):

Labcorp Genetics (formerly Invitae), Labcorp
Classification: Pathogenic for Supravalvar aortic stenosis. Last evaluated: 2022-06-13. Review status: criteria provided, single submitter. Criteria: Invitae Variant Classification Sherloc (09022015). Collection method: clinical testing. Allele origin: germline.
Comment: This variant is not present in population databases (gnomAD no frequency). For these reasons, this variant has been classified as Pathogenic. ClinVar contains an entry for this variant (Variation ID: 16731). This premature translational stop signal has been observed in individual(s) with supravalvular aortic stenosis (PMID: 11175284). This sequence change creates a premature translational stop signal (p.Tyr150*) in the ELN gene. It is expected to result in an absent or disrupted protein product. Loss-of-function variants in ELN are known to be pathogenic (PMID: 11175284).

OMIM
Classification: Pathogenic for SUPRAVALVULAR AORTIC STENOSIS. Last evaluated: 2000-12-01. Review status: no assertion criteria provided. Collection method: literature only. Allele origin: germline. Not counted in ClinVar's aggregate classification.

Literature cited by the submitters: PubMed 11175284 (cited by Labcorp Genetics (formerly Invitae), Labcorp and OMIM).